The following is an entry in ClinVar:

NM_001204.7(BMPR2):c.2563G>A (p.Asp855Asn)

Gene: BMPR2 (bone morphogenetic protein receptor type 2; plus strand). Cytogenetic location: 2q33.2.
Variant type: single nucleotide variant.
Coding change: c.2563G>A on transcript NM_001204.7 (MANE Select); coding-DNA position 2563, G replaced by A.
Protein change: p.Asp855Asn; replaces aspartic acid 855 with asparagine.
Molecular consequence: missense variant.
Genome position (GRCh38, 1-based): chr2:202,556,228, G>A. VCF-style: chr2-202556228-G-A. GRCh37 (hg19) VCF-style: chr2-203420951-G-A.
Other names: short protein forms D855N.
Identifiers: ClinVar variation 4867608 (VCV004867608.1).

ClinVar aggregate classification (germline): Uncertain significance (1 of 4 stars; one submission).

Conditions:
Inborn genetic diseases. Identifiers: MedGen C0950123, MeSH D030342.

Submission:

Ambry Genetics
Classification: Uncertain significance for Inborn genetic diseases. Last evaluated: 2026-04-20. Review status: criteria provided, single submitter. Criteria: Ambry Variant Classification Scheme 2023. Collection method: clinical testing. Allele origin: germline.
Comment: The p.D855N variant (also known as c.2563G>A), located in coding exon 12 of the BMPR2 gene, results from a G to A substitution at nucleotide position 2563. The aspartic acid at codon 855 is replaced by asparagine, an amino acid with highly similar properties. This amino acid position is conserved. In addition, the in silico prediction for this alteration is inconclusive. Based on the available evidence, the clinical significance of this variant remains unclear.